The following is an entry in ClinVar:

NM_000212.3(ITGB3):c.1902C>T (p.Cys634=)

Gene: ITGB3 (integrin subunit beta 3; plus strand). Cytogenetic location: 17q21.32.
Variant type: single nucleotide variant.
Coding change: c.1902C>T on transcript NM_000212.3 (MANE Select); coding-DNA position 1902, C replaced by T.
Protein change: p.Cys634=; no amino-acid change (cysteine 634 retained).
Molecular consequence: synonymous variant.
Genome position (GRCh38, 1-based): chr17:47,299,519, C>T. VCF-style: chr17-47299519-C-T. GRCh37 (hg19) VCF-style: chr17-45376885-C-T.
Other names: c.1902C>T (NM_000212.2).
Identifiers: ClinVar variation 323869 (VCV000323869.13), dbSNP rs149823724, ClinGen allele CA8623374.

ClinVar aggregate classification (germline): Benign. Review status: reviewed by expert panel (3 of 4 stars). 5 submissions from 5 submitters: Benign (1). 4 of the submissions do not count toward it. Last evaluated 2021-05-07.

Conditions:
ITGB3-related disorder. Also called: ITGB3-related condition.
Glanzmann thrombasthenia. Also called: THROMBASTHENIA OF GLANZMANN AND NAEGELI; Glanzmann's thrombasthenia; PLATELET GLYCOPROTEIN IIb-IIIa DEFICIENCY; Thrombasthenia. Identifiers: Orphanet 849, MedGen C0040015, MONDO:0100326.

Allele frequency attached by ClinVar (database versions not stated): gnomAD exomes 0.00018 and 0.00071; gnomAD 0.00031 and 0.00038; TOPMed 0.00045; ExAC 0.00066; 1000 Genomes Project 30x 0.00203; 1000 Genomes Project 0.00240.
gnomAD v4.1: 338 of 1,614,054 alleles (0.021%); highest among the groups gnomAD compares: East Asian, 0.68%; 1 homozygote.

Submissions (5):

ClinGen Platelet Disorders Variant Curation Expert Panel, ClinGen
Classification: Benign for Glanzmann thrombasthenia. Last evaluated: 2021-05-07. Review status: reviewed by expert panel. Criteria: ClinGen Platelet ACMG Specifications v2. Collection method: curation. Allele origin: germline. Inheritance: Autosomal recessive inheritance.
Comment: This c.1902C>T Cys634= synonymous variant occurs at an allele frequency in gnomAD of 0.0006917 with a MAF of 0.009527 (190/19944 alleles, including 1 homozygote) in the East Asian population. No splice impact is predicted and the variant is not highly conserved. This variant meets criteria to be classified as Benign by the ClinGen Platelet Disorders VCEP. GT-specific criteria met: BA1, BP4, and BP7.

Labcorp Genetics (formerly Invitae), Labcorp
Classification: Benign. Last evaluated: 2026-01-12. Review status: criteria provided, single submitter. Criteria: Invitae Variant Classification Sherloc (09022015). Collection method: clinical testing. Allele origin: germline. Not counted in ClinVar's aggregate classification.

Blueprint Genetics
Classification: Likely benign. Last evaluated: 2024-10-03. Review status: criteria provided, single submitter. Criteria: ACMG Guidelines, 2015. Collection method: clinical testing. Allele origin: germline. Not counted in ClinVar's aggregate classification.

Illumina Laboratory Services, Illumina
Classification: Likely benign for Glanzmann thrombasthenia 1. Last evaluated: 2018-01-13. Review status: criteria provided, single submitter. Criteria: ICSL Variant Classification Criteria 13 December 2019. Collection method: clinical testing. Allele origin: germline. Not counted in ClinVar's aggregate classification.
Comment: This variant was observed in the ICSL laboratory as part of a predisposition screen in an ostensibly healthy population. It had not been previously curated by ICSL or reported in the Human Gene Mutation Database (HGMD: prior to June 1st, 2018), and was therefore a candidate for classification through an automated scoring system. Utilizing variant allele frequency, disease prevalence and penetrance estimates, and inheritance mode, an automated score was calculated to assess if this variant is too frequent to cause the disease. Based on the score and internal cut-off values, a variant classified as likely benign is not then subjected to further curation. The score for this variant resulted in a classification of likely benign for this disease.

PreventionGenetics, part of Exact Sciences
Classification: Benign for ITGB3-related condition. Last evaluated: 2024-03-18. Review status: no assertion criteria provided. Collection method: clinical testing. Allele origin: germline. Not counted in ClinVar's aggregate classification.
Comment: This variant is classified as benign based on ACMG/AMP sequence variant interpretation guidelines (Richards et al. 2015 PMID: 25741868, with internal and published modifications).